The following is an entry in ClinVar:

NM_020832.3(ZNF687):c.2950A>G (p.Lys984Glu)

Gene: ZNF687 (zinc finger protein 687; plus strand). Cytogenetic location: 1q21.3.
Variant type: single nucleotide variant.
Coding change: c.2950A>G on transcript NM_020832.3 (MANE Select); coding-DNA position 2950, A replaced by G.
Protein change: p.Lys984Glu; replaces lysine 984 with glutamic acid.
Molecular consequence: missense variant.
Genome position (GRCh38, 1-based): chr1:151,289,993, A>G. VCF-style: chr1-151289993-A-G. GRCh37 (hg19) VCF-style: chr1-151262469-A-G.
Other names: c.2950A>G, p.Lys984Glu (NM_001304763.2, NM_001304764.2); short protein forms K984E.
Identifiers: ClinVar variation 2149666 (VCV002149666.4), dbSNP rs200702265, ClinGen allele CA1088687.
Genomic context (GRCh38, chr1:151,289,993, plus strand): 5'-ACCTGTGGCCTGTGTCACTCCTGGTTCCCTGAGCGTGATGAATACGTGGCCCACATGAAG[A>G]AGGAGCATGGCAAGGTGAGTGGGCCCCAAGGGGAGTACCATGGGCTGGGGGCAGCATTGG-3'
Protein context (NP_065883.1, residues 974-994): ERDEYVAHMK[Lys984Glu]EHGKSVKKFP

ClinVar aggregate classification (germline): Uncertain significance (1 of 4 stars; one submission).

Allele frequency attached by ClinVar (database versions not stated): ExAC 0.00002; gnomAD 0.00003; TOPMed 0.00003; gnomAD exomes 0.00005; 1000 Genomes Project 30x 0.00016; 1000 Genomes Project 0.00020.
gnomAD v4.1: 72 of 1,583,354 alleles (0.0045%); highest among the groups gnomAD compares: East Asian, 0.022%; no homozygotes.

Submission:

Labcorp Genetics (formerly Invitae), Labcorp
Classification: Uncertain significance. Last evaluated: 2024-03-27. Review status: criteria provided, single submitter. Criteria: Invitae Variant Classification Sherloc (09022015). Collection method: clinical testing. Allele origin: germline.
Comment: This sequence change replaces lysine, which is basic and polar, with glutamic acid, which is acidic and polar, at codon 984 of the ZNF687 protein (p.Lys984Glu). This variant is present in population databases (rs200702265, gnomAD 0.005%). This variant has not been reported in the literature in individuals affected with ZNF687-related conditions. ClinVar contains an entry for this variant (Variation ID: 2149666). An algorithm developed to predict the effect of missense changes on protein structure and function (PolyPhen-2) suggests that this variant is likely to be disruptive. In summary, the available evidence is currently insufficient to determine the role of this variant in disease. Therefore, it has been classified as a Variant of Uncertain Significance.